The following is an entry in ClinVar:

NM_001041.4(SI):c.523C>G (p.Gln175Glu)

Gene: SI (sucrase-isomaltase; minus strand). Cytogenetic location: 3q26.1.
Variant type: single nucleotide variant.
Coding change: c.523C>G on transcript NM_001041.4 (MANE Select); coding-DNA position 523, C replaced by G.
Protein change: p.Gln175Glu; replaces glutamine 175 with glutamic acid.
Molecular consequence: missense variant.
Genome position (GRCh38, 1-based): chr3:165,067,452, G>C on the plus strand (C>G on the coding strand, the complement: SI is on the minus strand). VCF-style: chr3-165067452-G-C. GRCh37 (hg19) VCF-style: chr3-164785240-G-C.
Other names: short protein forms Q175E.
Identifiers: ClinVar variation 1405014 (VCV001405014.8), dbSNP rs2108097375, ClinGen allele CA355034483.
Genomic context (GRCh38, chr3:165,067,452, plus strand): 5'-CAACCTTCACATCATACAACGTATCAGAAACTGTGGGTCCAGTAAACTCTTTTACATACT[G>C]ATGAGGAACTTCATATCTTCTATTATTTGGATCAGTAATCTGGAAAGATTTAAGCAAGGT-3'
Protein context (NP_001032.2, residues 165-185): PNNRRYEVPH[Gln175Glu]YVKEFTGPTV

ClinVar aggregate classification (germline): Uncertain significance (1 of 4 stars; one submission).

Submission:

Labcorp Genetics (formerly Invitae), Labcorp
Classification: Uncertain significance. Last evaluated: 2022-08-31. Review status: criteria provided, single submitter. Criteria: Invitae Variant Classification Sherloc (09022015). Collection method: clinical testing. Allele origin: germline.
Comment: In summary, the available evidence is currently insufficient to determine the role of this variant in disease. Therefore, it has been classified as a Variant of Uncertain Significance. Advanced modeling of protein sequence and biophysical properties (such as structural, functional, and spatial information, amino acid conservation, physicochemical variation, residue mobility, and thermodynamic stability) performed at Invitae indicates that this missense variant is not expected to disrupt SI protein function. ClinVar contains an entry for this variant (Variation ID: 1405014). This variant has not been reported in the literature in individuals affected with SI-related conditions. This variant is not present in population databases (gnomAD no frequency). This sequence change replaces glutamine, which is neutral and polar, with glutamic acid, which is acidic and polar, at codon 175 of the SI protein (p.Gln175Glu).